The following is an entry in ClinVar:

ClinVar aggregate classification (germline): Likely benign. Review status: criteria provided, multiple submitters, no conflicts (2 of 4 stars). 3 submissions from 3 submitters: Likely benign (2). 1 of the submissions does not count toward it. Last evaluated 2025-06-29.

Conditions:
NPHP4-related disorder. Also called: NPHP4-related disorders; NPHP4-related condition. Identifiers: MedGen CN239384.
Nephronophthisis. Also called: Juvenile Nephronophthisis. Identifiers: Orphanet 655, MedGen C0687120, MONDO:0019005, HP:0000090.

Allele frequency attached by ClinVar (database versions not stated): gnomAD exomes 0.00002 and 0.00004; ExAC 0.00003; gnomAD 0.00003 and 0.00004; TOPMed 0.00003.
gnomAD v4.1: 40 of 1,613,244 alleles (0.0025%); highest among the groups gnomAD compares: African/African-American, 0.0067%; no homozygotes.

Submissions (3):

Labcorp Genetics (formerly Invitae), Labcorp
Classification: Likely benign for Nephronophthisis. Last evaluated: 2025-06-29. Review status: criteria provided, single submitter. Criteria: Invitae Variant Classification Sherloc (09022015). Collection method: clinical testing. Allele origin: germline.

Blueprint Genetics
Classification: Likely benign. Last evaluated: 2021-09-17. Review status: criteria provided, single submitter. Criteria: ACMG Guidelines, 2015. Collection method: clinical testing. Allele origin: germline.

PreventionGenetics, part of Exact Sciences
Classification: Likely benign for NPHP4-related condition. Last evaluated: 2022-03-23. Review status: no assertion criteria provided. Collection method: clinical testing. Allele origin: germline. Not counted in ClinVar's aggregate classification.
Comment: This variant is classified as likely benign based on ACMG/AMP sequence variant interpretation guidelines (Richards et al. 2015 PMID: 25741868, with internal and published modifications).

NM_015102.5(NPHP4):c.2961C>T (p.Val987=)

Gene: NPHP4 (nephrocystin 4; minus strand). Cytogenetic location: 1p36.31.
Variant type: single nucleotide variant.
Coding change: c.2961C>T on transcript NM_015102.5 (MANE Select); coding-DNA position 2961, C replaced by T.
Protein change: p.Val987=; no amino-acid change (valine 987 retained).
Molecular consequence: synonymous variant. On other transcripts: non-coding transcript variant (1).
Genome position (GRCh38, 1-based): chr1:5,874,957, G>A on the plus strand (C>T on the coding strand, the complement: NPHP4 is on the minus strand). VCF-style: chr1-5874957-G-A. GRCh37 (hg19) VCF-style: chr1-5935017-G-A.
Other names: c.1422C>T, p.Val474= (NM_001291593.2); c.1425C>T, p.Val475= (NM_001291594.2); c.2961C>T (NM_015102.4).
Identifiers: ClinVar variation 1142564 (VCV001142564.12), dbSNP rs113802525, ClinGen allele CA553857.
Genomic context (GRCh38, chr1:5,874,957, plus strand): 5'-CACAGTCACCGTGTGCTGTGTGTTGTGGGGGTTCTTAAGCACAAACTCAAAGAACTCGGC[G>A]ACCCCCAGCGTGGCGTGGAGCGTGTGCTCCGTGGTGATGGCCAGGCTCAGCAGGCTGGCG-3'
Protein context (NP_055917.1, residues 977-997): TEHTLHATLG[Val987=]AEFFEFVLKN